The following is an entry in ClinVar:

NM_000260.4(MYO7A):c.1227G>A (p.Trp409Ter)

Gene: MYO7A (myosin VIIA; plus strand). Cytogenetic location: 11q13.5.
Variant type: single nucleotide variant.
Coding change: c.1227G>A on transcript NM_000260.4 (MANE Select); coding-DNA position 1227, G replaced by A.
Protein change: p.Trp409Ter; replaces tryptophan 409 with a stop codon.
Molecular consequence: nonsense.
Genome position (GRCh38, 1-based): chr11:77,160,999, G>A. VCF-style: chr11-77160999-G-A. GRCh37 (hg19) VCF-style: chr11-76872045-G-A.
Other names: c.1227G>A, p.Trp409Ter (NM_001127180.2); c.1194G>A, p.Trp398Ter (NM_001369365.1); short protein forms W398*, W409*.
Identifiers: ClinVar variation 1453399 (VCV001453399.6), dbSNP rs2135287852, ClinGen allele CA381934880.

ClinVar aggregate classification (germline): Pathogenic (1 of 4 stars; one submission).

Submission:

Labcorp Genetics (formerly Invitae), Labcorp
Classification: Pathogenic. Last evaluated: 2021-05-21. Review status: criteria provided, single submitter. Criteria: Invitae Variant Classification Sherloc (09022015). Collection method: clinical testing. Allele origin: germline.
Comment: For these reasons, this variant has been classified as Pathogenic. This variant has not been reported in the literature in individuals with MYO7A-related conditions. This variant is not present in population databases (ExAC no frequency). This sequence change creates a premature translational stop signal (p.Trp409*) in the MYO7A gene. It is expected to result in an absent or disrupted protein product. Loss-of-function variants in MYO7A are known to be pathogenic (PMID: 8900236, 25404053).

Literature cited by the submitters: PubMed 8900236; PubMed 25404053.